The following is an entry in ClinVar:

NM_003072.5(SMARCA4):c.1419+5G>T

Gene: SMARCA4 (SWI/SNF related BAF chromatin remodeling complex subunit ATPase 4; plus strand). Cytogenetic location: 19p13.2.
Variant type: single nucleotide variant.
Coding change: c.1419+5G>T on transcript NM_003072.5 (MANE Select); 5 bases into the intron after coding-DNA position 1419, G replaced by T.
Molecular consequence: intron variant.
Genome position (GRCh38, 1-based): chr19:10,991,328, G>T. VCF-style: chr19-10991328-G-T. GRCh37 (hg19) VCF-style: chr19-11102004-G-T.
Other names: c.1419+5G>T (NM_001128844.3, NM_001128849.3, NM_001128847.4 and 4 more transcripts).
Identifiers: ClinVar variation 861759 (VCV000861759.11), dbSNP rs199814381, ClinGen allele CA645615755.

ClinVar aggregate classification (germline): Conflicting classifications of pathogenicity. Review status: criteria provided, conflicting classifications (1 of 4 stars). 2 submissions from 2 submitters: Uncertain significance (1); Likely benign (1). Last evaluated 2025-09-22.

Conditions:
Rhabdoid tumor predisposition syndrome 2 (RTPS2). Identifiers: Orphanet 231108, Orphanet 69077, MedGen C2750074, MONDO:0013224, OMIM 613325.
Hereditary cancer-predisposing syndrome. Also called: Tumor predisposition; Hereditary neoplastic syndrome; Neoplastic Syndromes, Hereditary; Hereditary Cancer Syndrome. Identifiers: Orphanet 140162, MedGen C0027672, MeSH D009386, MONDO:0015356.

Allele frequency attached by ClinVar (database versions not stated): TOPMed 0.00001.
gnomAD v4.1: 2 of 1,584,464 alleles (0.00013%); highest among the groups gnomAD compares: Non-Finnish European, 0.00017%; no homozygotes.

Submissions (2):

Labcorp Genetics (formerly Invitae), Labcorp
Classification: Likely benign for Rhabdoid tumor predisposition syndrome 2. Last evaluated: 2025-09-22. Review status: criteria provided, single submitter. Criteria: Invitae Variant Classification Sherloc (09022015). Collection method: clinical testing. Allele origin: germline.

Ambry Genetics
Classification: Uncertain significance for Hereditary cancer-predisposing syndrome. Last evaluated: 2025-06-12. Review status: criteria provided, single submitter. Criteria: Ambry Variant Classification Scheme 2023. Collection method: clinical testing. Allele origin: germline.
Comment: The c.1419+5G>T intronic variant results from a G to T substitution 5 nucleotides after coding exon 7 in the SMARCA4 gene. This nucleotide position is well conserved in available vertebrate species. In silico splice site analysis predicts that this alteration will not have any significant effect on splicing. Since supporting evidence is limited at this time, the clinical significance of this alteration remains unclear.